The following is an entry in ClinVar:

ClinVar aggregate classification (germline): Uncertain significance (1 of 4 stars; one submission).

Conditions:
Inborn genetic diseases. Identifiers: MedGen C0950123, MeSH D030342.

Allele frequency attached by ClinVar (database versions not stated): gnomAD 0.00001; ExAC 0.00032; TOPMed below 0.00001.
gnomAD v4.1: 38 of 1,579,760 alleles (0.0024%); highest among the groups gnomAD compares: South Asian, 0.04%; 1 homozygote.

Submission:

Ambry Genetics
Classification: Uncertain significance for Inborn genetic diseases. Last evaluated: 2020-12-30. Review status: criteria provided, single submitter. Criteria: Ambry Variant Classification Scheme 2023. Collection method: clinical testing. Allele origin: germline.
Comment: The c.64C>T (p.R22C) alteration is located in exon 1 (coding exon 1) of the TRAPPC9 gene. This alteration results from a C to T substitution at nucleotide position 64, causing the arginine (R) at amino acid position 22 to be replaced by a cysteine (C). The p.R22C alteration is predicted to be tolerated by in silico analysis. Based on insufficient or conflicting evidence, the clinical significance of this alteration remains unclear.

NM_031466.8(TRAPPC9):c.-231C>T

Gene: TRAPPC9 (trafficking protein particle complex subunit 9; minus strand). Cytogenetic location: 8q24.3.
Variant type: single nucleotide variant.
Coding change: c.-231C>T on transcript NM_031466.8; 231 bases upstream of the start codon, C replaced by T.
Molecular consequence: 5 prime UTR variant.
Genome position (GRCh38, 1-based): chr8:140,458,501, G>A on the plus strand (C>T on the coding strand, the complement: TRAPPC9 is on the minus strand). VCF-style: chr8-140458501-G-A. GRCh37 (hg19) VCF-style: chr8-141468600-G-A.
Identifiers: ClinVar variation 2228629 (VCV002228629.2), dbSNP rs771814582, ClinGen allele CA4893890.